The following is an entry in ClinVar:

NM_017780.4(CHD7):c.1794del (p.Lys599fs)

Genes: CHD7 (chromodomain helicase DNA binding protein 7; plus strand), LOC126860403 (CDK7 strongly-dependent group 2 enhancer GRCh37_chr8:61693034-61694233; plus strand). Cytogenetic location: 8q12.2.
Variant type: Deletion.
Coding change: c.1794del on transcript NM_017780.4 (MANE Select); coding-DNA position 1794, one base deleted (G; older notation c.1794delG).
Protein change: p.Lys599fs; shifts the reading frame from lysine 599.
Molecular consequence: frameshift variant. On other transcripts: intron variant (1).
Genome position (GRCh38, 1-based): chr8:60,781,128, G deleted. VCF-style (leftmost placement, unchanged base first): chr8-60781127-AG-A. GRCh37 (hg19) VCF-style: chr8-61693686-AG-A.
Other names: c.1716+78del (NM_001316690.1); short protein forms K599fs.
Identifiers: ClinVar variation 3664507 (VCV003664507.2).

ClinVar aggregate classification (germline): Pathogenic (1 of 4 stars; one submission).

Conditions:
CHARGE syndrome (CHARGE). Also called: Hittner Hirsch Kreh syndrome; CHARGE ASSOCIATION--COLOBOMA, HEART ANOMALY, CHOANAL ATRESIA, RETARDATION, GENITAL AND EAR ANOMALIES; Coloboma, heart anomaly, choanal atresia, retardation, genital and ear anomalies; CHARGE association; Hall-Hittner syndrome. Identifiers: Orphanet 138, MedGen C0265354, MONDO:0008965.

Submission:

Labcorp Genetics (formerly Invitae), Labcorp
Classification: Pathogenic for CHARGE syndrome. Last evaluated: 2024-09-04. Review status: criteria provided, single submitter. Criteria: Invitae Variant Classification Sherloc (09022015). Collection method: clinical testing. Allele origin: germline.
Comment: This sequence change creates a premature translational stop signal (p.Lys599Argfs*9) in the CHD7 gene. It is expected to result in an absent or disrupted protein product. Loss-of-function variants in CHD7 are known to be pathogenic (PMID: 22461308, 25077900). This variant is not present in population databases (gnomAD no frequency). This variant has not been reported in the literature in individuals affected with CHD7-related conditions. For these reasons, this variant has been classified as Pathogenic.

Literature cited by the submitters: PubMed 22461308; PubMed 25077900.